The following is an entry in ClinVar:

NM_000179.3(MSH6):c.3258C>A (p.Pro1086=)

Gene: MSH6 (mutS homolog 6; plus strand). Cytogenetic location: 2p16.3.
Variant type: single nucleotide variant.
Coding change: c.3258C>A on transcript NM_000179.3 (MANE Select); coding-DNA position 3258, C replaced by A.
Protein change: p.Pro1086=; no amino-acid change (proline 1086 retained).
Molecular consequence: synonymous variant.
Genome position (GRCh38, 1-based): chr2:47,803,505, C>A. VCF-style: chr2-47803505-C-A. GRCh37 (hg19) VCF-style: chr2-48030644-C-A.
Other names: c.2868C>A, p.Pro956= (NM_001281492.2); c.2352C>A, p.Pro784= (NM_001281493.2, NM_001281494.2).
Identifiers: ClinVar variation 416181 (VCV000416181.23), dbSNP rs863224331, ClinGen allele CA16611039.

ClinVar aggregate classification (germline): Benign/Likely benign. Review status: criteria provided, multiple submitters, no conflicts (2 of 4 stars). 5 submissions from 5 submitters: Benign (1); Likely benign (4). Last evaluated 2025-03-04.

Conditions:
Lynch syndrome 5 (LYNCH5). Also called: Colorectal cancer, hereditary nonpolyposis, type 5; Hereditary non-polyposis colorectal cancer, type 5. Identifiers: Orphanet 144, MedGen C1833477, MONDO:0013710, OMIM 614350. Disease mechanism: loss of function.
Hereditary cancer-predisposing syndrome. Also called: Tumor predisposition; Neoplastic Syndromes, Hereditary; Hereditary neoplastic syndrome; Hereditary Cancer Syndrome. Identifiers: Orphanet 140162, MedGen C0027672, MeSH D009386, MONDO:0015356.
Hereditary nonpolyposis colorectal neoplasms. Identifiers: MedGen C0009405, MeSH D003123.

Allele frequency attached by ClinVar (database versions not stated): gnomAD below 0.00001 and 0.00001.
gnomAD v4.1: 4 of 1,614,012 alleles (0.00025%); highest among the groups gnomAD compares: South Asian, 0.0022%; no homozygotes.

Submissions (5):

Center for Genomic Medicine, Rigshospitalet, Copenhagen University Hospital
Classification: Likely benign. Last evaluated: 2025-03-04. Review status: criteria provided, single submitter. Criteria: ACMG Guidelines, 2015. Collection method: clinical testing. Allele origin: germline.

Labcorp Genetics (formerly Invitae), Labcorp
Classification: Likely benign for Hereditary nonpolyposis colorectal neoplasms. Last evaluated: 2025-02-26. Review status: criteria provided, single submitter. Criteria: Invitae Variant Classification Sherloc (09022015). Collection method: clinical testing. Allele origin: germline.

Myriad Genetics, Inc.
Classification: Benign for Lynch syndrome 5. Last evaluated: 2025-01-06. Review status: criteria provided, single submitter. Criteria: Myriad Autosomal Dominant, Autosomal Recessive and X-Linked Classification Criteria (2023). Collection method: clinical testing. Allele origin: unknown.
Comment: This variant is considered benign. This variant is a silent/synonymous amino acid change and it is not expected to impact splicing.

Ambry Genetics
Classification: Likely benign for Hereditary cancer-predisposing syndrome. Last evaluated: 2016-03-31. Review status: criteria provided, single submitter. Criteria: Ambry Variant Classification Scheme 2023. Collection method: clinical testing. Allele origin: germline.

Color Diagnostics, LLC DBA Color Health
Classification: Likely benign for Hereditary cancer-predisposing syndrome. Last evaluated: 2015-06-09. Review status: criteria provided, single submitter. Criteria: ACMG Guidelines, 2015. Collection method: clinical testing. Allele origin: germline.